The following is an entry in ClinVar:

ClinVar aggregate classification (germline): Conflicting classifications of pathogenicity. Review status: criteria provided, conflicting classifications (1 of 4 stars). 2 submissions from 2 submitters: Uncertain significance (1); Likely benign (1). Last evaluated 2025-03-28.

Conditions:
Alstrom syndrome (ALMS). Identifiers: Orphanet 64, MedGen C0268425, MONDO:0008763, OMIM 203800.
Cardiovascular phenotype. Identifiers: MedGen CN230736.

Allele frequency attached by ClinVar (database versions not stated): gnomAD exomes 0.00001; ExAC 0.00003; TOPMed 0.00006; gnomAD 0.00007 and 0.00008; 1000 Genomes Project 30x 0.00016; 1000 Genomes Project 0.00020.
gnomAD v4.1: 13 of 1,611,574 alleles (0.00081%); highest among the groups gnomAD compares: African/African-American, 0.017%; no homozygotes.

Submissions (2):

Ambry Genetics
Classification: Likely benign for Cardiovascular phenotype. Last evaluated: 2025-03-28. Review status: criteria provided, single submitter. Criteria: Ambry Variant Classification Scheme 2023. Collection method: clinical testing. Allele origin: germline.

Labcorp Genetics (formerly Invitae), Labcorp
Classification: Uncertain significance for Alstrom syndrome. Last evaluated: 2022-08-23. Review status: criteria provided, single submitter. Criteria: Invitae Variant Classification Sherloc (09022015). Collection method: clinical testing. Allele origin: germline.
Comment: This sequence change replaces threonine, which is neutral and polar, with serine, which is neutral and polar, at codon 2787 of the ALMS1 protein (p.Thr2787Ser). The frequency data for this variant in the population databases is considered unreliable, as metrics indicate poor data quality at this position in the gnomAD database. This variant has not been reported in the literature in individuals affected with ALMS1-related conditions. ClinVar contains an entry for this variant (Variation ID: 1447131). Experimental studies and prediction algorithms are not available or were not evaluated, and the functional significance of this variant is currently unknown. In summary, the available evidence is currently insufficient to determine the role of this variant in disease. Therefore, it has been classified as a Variant of Uncertain Significance.

NM_001378454.1(ALMS1):c.8357C>G (p.Thr2786Ser)

Gene: ALMS1 (ALMS1 centrosome and basal body associated protein; plus strand). Cytogenetic location: 2p13.1.
Variant type: single nucleotide variant.
Coding change: c.8357C>G on transcript NM_001378454.1 (MANE Select); coding-DNA position 8357, C replaced by G.
Protein change: p.Thr2786Ser; replaces threonine 2786 with serine.
Molecular consequence: missense variant.
Genome position (GRCh38, 1-based): chr2:73,490,316, C>G. VCF-style: chr2-73490316-C-G. GRCh37 (hg19) VCF-style: chr2-73717443-C-G.
Other names: c.8360C>G, p.Thr2787Ser (NM_015120.4); short protein forms T2786S, T2787S.
Identifiers: ClinVar variation 1447131 (VCV001447131.6), dbSNP rs565373304, ClinGen allele CA1714455.